The following is an entry in ClinVar:

ClinVar aggregate classification (germline): Uncertain significance (1 of 4 stars; one submission).

Allele frequency attached by ClinVar (database versions not stated): TOPMed below 0.00001; ExAC 0.00001.
gnomAD v4.1: 3 of 1,573,930 alleles (0.00019%); highest among the groups gnomAD compares: Admixed American, 0.0036%; no homozygotes.

Submission:

Labcorp Genetics (formerly Invitae), Labcorp
Classification: Uncertain significance. Last evaluated: 2024-03-11. Review status: criteria provided, single submitter. Criteria: Invitae Variant Classification Sherloc (09022015). Collection method: clinical testing. Allele origin: germline.
Comment: This sequence change replaces glycine, which is neutral and non-polar, with arginine, which is basic and polar, at codon 120 of the FOXA2 protein (p.Gly120Arg). This variant is present in population databases (rs747926313, gnomAD 0.007%). This variant has not been reported in the literature in individuals affected with FOXA2-related conditions. ClinVar contains an entry for this variant (Variation ID: 2028492). An algorithm developed to predict the effect of missense changes on protein structure and function (PolyPhen-2) suggests that this variant is likely to be disruptive. In summary, the available evidence is currently insufficient to determine the role of this variant in disease. Therefore, it has been classified as a Variant of Uncertain Significance.

NM_021784.5(FOXA2):c.358G>C (p.Gly120Arg)

Gene: FOXA2 (forkhead box A2; minus strand). Cytogenetic location: 20p11.21.
Variant type: single nucleotide variant.
Coding change: c.358G>C on transcript NM_021784.5 (MANE Select); coding-DNA position 358, G replaced by C.
Protein change: p.Gly120Arg; replaces glycine 120 with arginine.
Molecular consequence: missense variant.
Genome position (GRCh38, 1-based): chr20:22,582,884, C>G on the plus strand (G>C on the coding strand, the complement: FOXA2 is on the minus strand). VCF-style: chr20-22582884-C-G. GRCh37 (hg19) VCF-style: chr20-22563522-C-G.
Other names: c.340G>C, p.Gly114Arg (NM_153675.3); short protein forms G120R, G114R.
Identifiers: ClinVar variation 2028492 (VCV002028492.4), dbSNP rs747926313, ClinGen allele CA9787054.